The following is an entry in ClinVar:

NM_012108.4(STAP1):c.203A>G (p.Lys68Arg)

Genes: STAP1 (signal transducing adaptor family member 1; plus strand), LOC123477751 (Sharpr-MPRA regulatory region 12077; plus strand). Cytogenetic location: 4q13.2.
Variant type: single nucleotide variant.
Coding change: c.203A>G on transcript NM_012108.4 (MANE Select); coding-DNA position 203, A replaced by G.
Protein change: p.Lys68Arg; replaces lysine 68 with arginine.
Molecular consequence: missense variant.
Genome position (GRCh38, 1-based): chr4:67,575,395, A>G. VCF-style: chr4-67575395-A-G. GRCh37 (hg19) VCF-style: chr4-68441113-A-G.
Other names: c.203A>G, p.Lys68Arg (NM_001317769.2); short protein forms K68R.
Identifiers: ClinVar variation 1784865 (VCV001784865.2), dbSNP rs781260228, ClinGen allele CA2937483.

ClinVar aggregate classification (germline): Uncertain significance (1 of 4 stars; one submission).

Allele frequency attached by ClinVar (database versions not stated): ExAC 0.00001; gnomAD 0.00001; gnomAD exomes 0.00001.
gnomAD v4.1: 20 of 1,587,434 alleles (0.0013%); highest among the groups gnomAD compares: East Asian, 0.0023%; no homozygotes.

Submission:

Ambry Genetics
Classification: Uncertain significance. Last evaluated: 2022-08-10. Review status: criteria provided, single submitter. Criteria: Ambry Variant Classification Scheme 2023. Collection method: clinical testing. Allele origin: germline.
Comment: The p.K68R variant (also known as c.203A>G), located in coding exon 3 of the STAP1 gene, results from an A to G substitution at nucleotide position 203. The lysine at codon 68 is replaced by arginine, an amino acid with highly similar properties. This amino acid position is conserved. In addition, the in silico prediction for this alteration is inconclusive. Since supporting evidence is limited at this time, the clinical significance of this alteration remains unclear.